The following is an entry in ClinVar:

NM_002470.4(MYH3):c.3138A>C (p.Arg1046=)

Gene: MYH3 (myosin heavy chain 3; minus strand). Cytogenetic location: 17p13.1.
Variant type: single nucleotide variant.
Coding change: c.3138A>C on transcript NM_002470.4 (MANE Select); coding-DNA position 3138, A replaced by C.
Protein change: p.Arg1046=; no amino-acid change (arginine 1046 retained).
Molecular consequence: synonymous variant.
Genome position (GRCh38, 1-based): chr17:10,639,154, T>G on the plus strand (A>C on the coding strand, the complement: MYH3 is on the minus strand). VCF-style: chr17-10639154-T-G. GRCh37 (hg19) VCF-style: chr17-10542471-T-G.
Identifiers: ClinVar variation 129656 (VCV000129656.33), dbSNP rs2285475, ClinGen allele CA153789.
Genomic context (GRCh38, chr17:10,639,154, plus strand): 5'-GGACTCTTGAGCAAGCTTCAAGTCTCCTTCCAATTTCCTTTTGTTCCTTTCCAGGTCTAC[T>G]CGGAGCTTCTTTTCTTGTTCTAGGGAGCTTTCCAGCTGAAAAAGGCACCATTTCCTTTTG-3'
Protein context (NP_002461.2, residues 1036-1056): ESSLEQEKKL[Arg1046=]VDLERNKRKL

ClinVar aggregate classification (germline): Benign. Review status: criteria provided, multiple submitters, no conflicts (2 of 4 stars). 15 submissions from 11 submitters: Benign (12). 3 of the submissions do not count toward it. Last evaluated 2026-02-04.

Conditions:
Arthrogryposis, distal, type 2B3. Also called: Arthrogryposis, distal, type 2B3 (Sheldon-Hall). Identifiers: MedGen C5193098, MONDO:0032751, OMIM 618436.
Freeman-Sheldon syndrome (DA2A). Also called: CRANIOCARPOTARSAL DYSPLASIA; CRANIOCARPOTARSAL DYSTROPHY; Arthrogryposis, distal, type 2A (Freeman-Sheldon); WHISTLING FACE-WINDMILL VANE HAND SYNDROME. Identifiers: Orphanet 2053, MedGen C0265224, MONDO:0008675, OMIM 193700.
Contractures, pterygia, and spondylocarpotarsal fusion syndrome 1A (CPSFS1A). Also called: MULTIPLE PTERYGIUM SYNDROME, AUTOSOMAL DOMINANT; Distal arthrogryposis type 8; Contractures, pterygia, and variable skeletal fusions syndrome 1A. Identifiers: Orphanet 65743, MedGen C1867440, MONDO:0008338, OMIM 178110.
Contractures, pterygia, and variable skeletal fusions syndrome 1B. Also called: CONTRACTURES, PTERYGIA, AND SPONDYLOCARPOTARSAL FUSION SYNDROME 1B. Identifiers: MedGen C5193114, MONDO:0020746, OMIM 618469.
Distal arthrogryposis type 2B1 (DA2B1). Also called: Arthrogryposis multiplex congenita distal type II with craniofacial abnormalities. Identifiers: Orphanet 1147, MedGen C5193014, MONDO:0020820, OMIM 601680.

Allele frequency attached by ClinVar (database versions not stated): 1000 Genomes Project 30x 0.46330; 1000 Genomes Project 0.46645; TOPMed 0.54709; ESP Exome Variant Server 0.58165.
gnomAD v4.1: 1,089,374 of 1,613,870 alleles (68%); highest among the groups gnomAD compares: Non-Finnish European, 73%; 379,828 homozygotes.

Submissions (15):

Labcorp Genetics (formerly Invitae), Labcorp
Classification: Benign. Last evaluated: 2026-02-04. Review status: criteria provided, single submitter. Criteria: Invitae Variant Classification Sherloc (09022015). Collection method: clinical testing. Allele origin: germline.

Genome-Nilou Lab
Classification: Benign for Freeman-Sheldon syndrome. Last evaluated: 2021-09-05. Review status: criteria provided, single submitter. Criteria: ACMG Guidelines, 2015. Collection method: clinical testing. Allele origin: germline. Affected: no.

Genome-Nilou Lab
Classification: Benign for Arthrogryposis, distal, type 2B3. Last evaluated: 2021-09-05. Review status: criteria provided, single submitter. Criteria: ACMG Guidelines, 2015. Collection method: clinical testing. Allele origin: germline. Affected: no.

Genome-Nilou Lab
Classification: Benign for Contractures, pterygia, and spondylocarpotarsal fusion syndrome 1A. Last evaluated: 2021-09-05. Review status: criteria provided, single submitter. Criteria: ACMG Guidelines, 2015. Collection method: clinical testing. Allele origin: germline. Affected: no.

Genome-Nilou Lab
Classification: Benign for Contractures, pterygia, and variable skeletal fusions syndrome 1B. Last evaluated: 2021-09-05. Review status: criteria provided, single submitter. Criteria: ACMG Guidelines, 2015. Collection method: clinical testing. Allele origin: germline. Affected: no.

Fulgent Genetics
Classification: Benign for Contractures, pterygia, and spondylocarpotarsal fusion syndrome 1A; Freeman-Sheldon syndrome; Arthrogryposis, distal, type 2B3; Contractures, pterygia, and variable skeletal fusions syndrome 1B. Last evaluated: 2021-08-11. Review status: criteria provided, single submitter. Criteria: ACMG Guidelines, 2015. Collection method: clinical testing. Allele origin: unknown.

GeneDx
Classification: Benign. Last evaluated: 2018-11-12. Review status: criteria provided, single submitter. Criteria: GeneDx Variant Classification Process June 2021. Collection method: clinical testing. Allele origin: germline. Affected: yes.

Illumina Laboratory Services, Illumina
Classification: Benign for Freeman-Sheldon syndrome. Last evaluated: 2018-01-13. Review status: criteria provided, single submitter. Criteria: ICSL Variant Classification Criteria 13 December 2019. Collection method: clinical testing. Allele origin: germline.
Comment: This variant was observed in the ICSL laboratory as part of a predisposition screen in an ostensibly healthy population. It had not been previously curated by ICSL or reported in the Human Gene Mutation Database (HGMD: prior to June 1st, 2018), and was therefore a candidate for classification through an automated scoring system. Utilizing variant allele frequency, disease prevalence and penetrance estimates, and inheritance mode, an automated score was calculated to assess if this variant is too frequent to cause the disease. Based on the score and internal cut-off values, a variant classified as benign is not then subjected to further curation. The score for this variant resulted in a classification of benign for this disease.

Illumina Laboratory Services, Illumina
Classification: Benign for Distal arthrogryposis type 2B1. Last evaluated: 2018-01-13. Review status: criteria provided, single submitter. Criteria: ICSL Variant Classification Criteria 13 December 2019. Collection method: clinical testing. Allele origin: germline.
Comment: the same text as in the submission from Illumina Laboratory Services, Illumina above.

Genetic Services Laboratory, University of Chicago
Classification: Benign for AllHighlyPenetrant. Last evaluated: 2013-08-15. Review status: criteria provided, single submitter. Criteria: ACMG Guidelines, 2007. Collection method: clinical testing. Allele origin: germline. Inheritance: Autosomal dominant inheritance.

Breakthrough Genomics
Classification: Benign. Review status: criteria provided, single submitter. Criteria: ACMG Guidelines, 2015. Collection method: not provided. Allele origin: germline. Inheritance: Autosomal recessive inheritance. Affected: yes.

PreventionGenetics, part of Exact Sciences
Classification: Benign. Review status: criteria provided, single submitter. Criteria: ACMG Guidelines, 2015. Collection method: clinical testing. Allele origin: germline.

Clinical Genetics, Academic Medical Center
Classification: Benign. Review status: no assertion criteria provided. Collection method: clinical testing. Allele origin: germline. Affected: yes. Study: VKGL Data-share Consensus. Not counted in ClinVar's aggregate classification.

Diagnostic Laboratory, Department of Genetics, University Medical Center Groningen
Classification: Benign. Review status: no assertion criteria provided. Collection method: clinical testing. Allele origin: germline. Affected: yes. Study: VKGL Data-share Consensus. Not counted in ClinVar's aggregate classification.

Joint Genome Diagnostic Labs from Nijmegen and Maastricht, Radboudumc and MUMC+
Classification: Benign. Review status: no assertion criteria provided. Collection method: clinical testing. Allele origin: germline. Affected: yes. Study: VKGL Data-share Consensus. Not counted in ClinVar's aggregate classification.